The following is an entry in ClinVar:

ClinVar aggregate classification (germline): Benign. Review status: criteria provided, multiple submitters, no conflicts (2 of 4 stars). 3 submissions from 3 submitters: Benign (3). Last evaluated 2021-05-13.

Conditions:
Junctional epidermolysis bullosa. Identifiers: Orphanet 305, MedGen C0079301, MONDO:0017612.

Allele frequency attached by ClinVar (database versions not stated): 1000 Genomes Project 30x 0.03748; gnomAD 0.03841 and 0.03563; gnomAD exomes 0.00838 and 0.00338; ESP Exome Variant Server 0.03210; ExAC 0.01448; 1000 Genomes Project 0.03494; TOPMed 0.03934.
gnomAD v4.1: 10,428 of 1,566,910 alleles (0.67%); highest among the groups gnomAD compares: African/African-American, 12%; 585 homozygotes.

Submissions (3):

GeneDx
Classification: Benign. Last evaluated: 2021-05-13. Review status: criteria provided, single submitter. Criteria: GeneDx Variant Classification Process June 2021. Collection method: clinical testing. Allele origin: germline. Affected: yes.

Illumina Laboratory Services, Illumina
Classification: Benign for Junctional epidermolysis bullosa. Last evaluated: 2018-01-13. Review status: criteria provided, single submitter. Criteria: ICSL Variant Classification Criteria 13 December 2019. Collection method: clinical testing. Allele origin: germline.
Comment: This variant was observed in the ICSL laboratory as part of a predisposition screen in an ostensibly healthy population. It had not been previously curated by ICSL or reported in the Human Gene Mutation Database (HGMD: prior to June 1st, 2018), and was therefore a candidate for classification through an automated scoring system. Utilizing variant allele frequency, disease prevalence and penetrance estimates, and inheritance mode, an automated score was calculated to assess if this variant is too frequent to cause the disease. Based on the score and internal cut-off values, a variant classified as benign is not then subjected to further curation. The score for this variant resulted in a classification of benign for this disease.

Breakthrough Genomics
Classification: Benign. Review status: criteria provided, single submitter. Criteria: ACMG Guidelines, 2015. Collection method: not provided. Allele origin: germline. Inheritance: Autosomal recessive inheritance. Affected: yes.

NM_005562.3(LAMC2):c.-38C>G

Genes: LAMC2 (laminin subunit gamma 2; plus strand), LOC126805948 (MED14-independent group 3 enhancer GRCh37_chr1:183154769-183155968; plus strand). Cytogenetic location: 1q25.3.
Variant type: single nucleotide variant.
Coding change: c.-38C>G on transcript NM_005562.3 (MANE Select); 38 bases upstream of the start codon, C replaced by G.
Molecular consequence: 5 prime UTR variant.
Genome position (GRCh38, 1-based): chr1:183,186,315, C>G. VCF-style: chr1-183186315-C-G. GRCh37 (hg19) VCF-style: chr1-183155450-C-G.
Other names: c.-38C>G (NM_018891.3).
Identifiers: ClinVar variation 293981 (VCV000293981.9), dbSNP rs77133472, ClinGen allele CA1282146.
Genomic context (GRCh38, chr1:183,186,315, plus strand): 5'-AAGGAAGGCACAGCGGAGCGCAGAGTGAGAACCACCAACCGAGGCGCCGGGCAGCGACCC[C>G]TGCAGCGGAGACAGAGACTGAGCGGCCCGGCCCCGCCATGCCTGCGCTCTGGCTGGGCTG-3'